The following is an entry in ClinVar:

ClinVar aggregate classification (germline): Uncertain significance. Review status: criteria provided, multiple submitters, no conflicts (2 of 4 stars). 2 submissions from 2 submitters: Uncertain significance (2). Last evaluated 2025-12-09.

Conditions:
Houge-Janssens syndrome 1. Also called: Intellectual disability-macrocephaly-hypotonia-behavioral abnormalities syndrome; PPP2R5D-Related Neurodevelopmental Disorder; Hogue-Janssens syndrome 1; INTELLECTUAL DEVELOPMENTAL DISORDER, AUTOSOMAL DOMINANT 35. Identifiers: Orphanet 457279, MedGen C5779996, MONDO:0014602, OMIM 616355.

gnomAD v4.1: 6 of 1,614,080 alleles (0.00037%); highest among the groups gnomAD compares: African/African-American, 0.0013%; no homozygotes.

Submissions (2):

Clinical Genetics Laboratory, University Hospital Schleswig-Holstein
Classification: Uncertain significance for Houge-Janssens syndrome 1. Last evaluated: 2025-12-09. Review status: criteria provided, single submitter. Criteria: ACMG Guidelines, 2015. Collection method: clinical testing. Allele origin: paternal. Affected: yes. Observed: 1 heterozygote.
Comment: ACMG criteria applied: PM2, PP2, BS4_Supporting

Labcorp Genetics (formerly Invitae), Labcorp
Classification: Uncertain significance. Last evaluated: 2024-10-04. Review status: criteria provided, single submitter. Criteria: Invitae Variant Classification Sherloc (09022015). Collection method: clinical testing. Allele origin: germline.
Comment: This sequence change replaces serine, which is neutral and polar, with leucine, which is neutral and non-polar, at codon 187 of the PPP2R5D protein (p.Ser187Leu). This variant is not present in population databases (gnomAD no frequency). This missense change has been observed in individual(s) with autism spectrum disorder (PMID: 35741772). ClinVar contains an entry for this variant (Variation ID: 1440829). An algorithm developed to predict the effect of missense changes on protein structure and function (PolyPhen-2) suggests that this variant is likely to be tolerated. In summary, the available evidence is currently insufficient to determine the role of this variant in disease. Therefore, it has been classified as a Variant of Uncertain Significance.

Literature cited by the submitters: PubMed 35741772 (cited by Labcorp Genetics (formerly Invitae), Labcorp).

NM_006245.4(PPP2R5D):c.560C>T (p.Ser187Leu)

Gene: PPP2R5D (protein phosphatase 2 regulatory subunit B'delta; plus strand). Cytogenetic location: 6p21.1.
Variant type: single nucleotide variant.
Coding change: c.560C>T on transcript NM_006245.4 (MANE Select); coding-DNA position 560, C replaced by T.
Protein change: p.Ser187Leu; replaces serine 187 with leucine.
Molecular consequence: missense variant.
Genome position (GRCh38, 1-based): chr6:43,007,233, C>T. VCF-style: chr6-43007233-C-T. GRCh37 (hg19) VCF-style: chr6-42974971-C-T.
Other names: c.107C>T, p.Ser36Leu (NM_001270476.2); c.464C>T, p.Ser155Leu (NM_180976.3); c.242C>T, p.Ser81Leu (NM_180977.3); short protein forms S187L, S81L, S36L, S155L.
Identifiers: ClinVar variation 1440829 (VCV001440829.7), dbSNP rs2150278760, ClinGen allele CA364184702.